The following is an entry in ClinVar:

NM_004380.3(CREBBP):c.2463+6G>A

Gene: CREBBP (CREB binding protein; minus strand). Cytogenetic location: 16p13.3.
Variant type: single nucleotide variant.
Coding change: c.2463+6G>A on transcript NM_004380.3 (MANE Select); 6 bases into the intron after coding-DNA position 2463, G replaced by A.
Molecular consequence: intron variant.
Genome position (GRCh38, 1-based): chr16:3,773,745, C>T on the plus strand (G>A on the coding strand, the complement: CREBBP is on the minus strand). VCF-style: chr16-3773745-C-T. GRCh37 (hg19) VCF-style: chr16-3823746-C-T.
Other names: c.2349+6G>A (NM_001079846.1).
Identifiers: ClinVar variation 512053 (VCV000512053.1), dbSNP rs1555482647, ClinGen allele CA658798527.

ClinVar aggregate classification (germline): Likely benign (1 of 4 stars; one submission).

Allele frequency attached by ClinVar (database versions not stated): gnomAD exomes below 0.00001.
gnomAD v4.1: 1 of 1,613,914 alleles (0.000062%); highest among the groups gnomAD compares: South Asian, 0.0011%; no homozygotes.

Submission:

GeneDx
Classification: Likely benign. Last evaluated: 2017-09-15. Review status: criteria provided, single submitter. Criteria: GeneDx Variant Classification (06012015). Collection method: clinical testing. Allele origin: germline. Affected: yes.
Comment: This variant is considered likely benign or benign based on one or more of the following criteria: it is a conservative change, it occurs at a poorly conserved position in the protein, it is predicted to be benign by multiple in silico algorithms, and/or has population frequency not consistent with disease.